The following is an entry in ClinVar:

ClinVar aggregate classification (germline): Uncertain significance (1 of 4 stars; one submission).

Allele frequency attached by ClinVar (database versions not stated): TOPMed 0.00001; gnomAD exomes 0.00002 and 0.00001; gnomAD 0.00003; ESP Exome Variant Server 0.00008; ExAC 0.00001.
gnomAD v4.1: 36 of 1,612,870 alleles (0.0022%); highest among the groups gnomAD compares: Non-Finnish European, 0.0029%; no homozygotes.

Submission:

Labcorp Genetics (formerly Invitae), Labcorp
Classification: Uncertain significance. Last evaluated: 2025-03-31. Review status: criteria provided, single submitter. Criteria: Invitae Variant Classification Sherloc (09022015). Collection method: clinical testing. Allele origin: germline.
Comment: This sequence change replaces valine, which is neutral and non-polar, with alanine, which is neutral and non-polar, at codon 510 of the C2CD3 protein (p.Val510Ala). This variant is present in population databases (rs374144478, gnomAD 0.003%). This variant has not been reported in the literature in individuals affected with C2CD3-related conditions. ClinVar contains an entry for this variant (Variation ID: 1478582). Invitae Evidence Modeling of protein sequence and biophysical properties (such as structural, functional, and spatial information, amino acid conservation, physicochemical variation, residue mobility, and thermodynamic stability) indicates that this missense variant is not expected to disrupt C2CD3 protein function with a negative predictive value of 80%. In summary, the available evidence is currently insufficient to determine the role of this variant in disease. Therefore, it has been classified as a Variant of Uncertain Significance.

NM_001286577.2(C2CD3):c.1529T>C (p.Val510Ala)

Gene: C2CD3 (C2 domain containing 3 centriole elongation regulator; minus strand). Cytogenetic location: 11q13.4.
Variant type: single nucleotide variant.
Coding change: c.1529T>C on transcript NM_001286577.2 (MANE Select); coding-DNA position 1529, T replaced by C.
Protein change: p.Val510Ala; replaces valine 510 with alanine.
Molecular consequence: missense variant.
Genome position (GRCh38, 1-based): chr11:74,114,585, A>G on the plus strand (T>C on the coding strand, the complement: C2CD3 is on the minus strand). VCF-style: chr11-74114585-A-G. GRCh37 (hg19) VCF-style: chr11-73825630-A-G.
Other names: c.1529T>C, p.Val510Ala (NM_015531.6); short protein forms V510A.
Identifiers: ClinVar variation 1478582 (VCV001478582.5), dbSNP rs374144478, ClinGen allele CA6182925.